The following is an entry in ClinVar:

NM_030665.4(RAI1):c.3751G>A (p.Ala1251Thr)

Gene: RAI1 (retinoic acid induced 1; plus strand). Cytogenetic location: 17p11.2.
Variant type: single nucleotide variant.
Coding change: c.3751G>A on transcript NM_030665.4 (MANE Select); coding-DNA position 3751, G replaced by A.
Protein change: p.Ala1251Thr; replaces alanine 1251 with threonine.
Molecular consequence: missense variant.
Genome position (GRCh38, 1-based): chr17:17,796,699, G>A. VCF-style: chr17-17796699-G-A. GRCh37 (hg19) VCF-style: chr17-17700013-G-A.
Other names: c.3751G>A (NM_030665.3); short protein forms A1251T.
Identifiers: ClinVar variation 2041304 (VCV002041304.7), dbSNP rs768678609, ClinGen allele CA8418811.
Genomic context (GRCh38, chr17:17,796,699, plus strand): 5'-CCGGTCCCCACCAAGAAGCGGAACCTGGTCTTGCGGAGCCGCAGCAGCAGCAGCAGCAAC[G>A]CCAGTGGCAATGGGGGAGATGGGAAGGAGGAGAGGCCTGAGGGTTCCCCCACCCTCTTCA-3'
Protein context (NP_109590.3, residues 1241-1261): LRSRSSSSSN[Ala1251Thr]SGNGGDGKEE

ClinVar aggregate classification (germline): Benign/Likely benign. Review status: criteria provided, multiple submitters, no conflicts (2 of 4 stars). 2 submissions from 2 submitters: Benign (1); Likely benign (1). Last evaluated 2026-01-20.

Conditions:
RAI1-related disorder. Also called: RAI1-related condition.

Allele frequency attached by ClinVar (database versions not stated): ExAC 0.00001; gnomAD 0.00003; gnomAD exomes 0.00003; TOPMed 0.00003.
gnomAD v4.1: 54 of 1,613,224 alleles (0.0033%); highest among the groups gnomAD compares: Middle Eastern, 0.066%; no homozygotes.

Submissions (2):

PreventionGenetics, part of Exact Sciences
Classification: Likely benign for RAI1-related condition. Last evaluated: 2026-01-20. Review status: criteria provided, single submitter. Criteria: ACMG Guidelines, 2015. Collection method: clinical testing. Allele origin: germline.
Comment: This variant is classified as likely benign based on ACMG/AMP sequence variant interpretation guidelines (Richards et al. 2015 PMID: 25741868, with internal and published modifications).

Labcorp Genetics (formerly Invitae), Labcorp
Classification: Benign. Last evaluated: 2025-11-03. Review status: criteria provided, single submitter. Criteria: Invitae Variant Classification Sherloc (09022015). Collection method: clinical testing. Allele origin: germline.